The following is an entry in ClinVar:

ClinVar aggregate classification (germline): Uncertain significance (1 of 4 stars; one submission).

Conditions:
Intellectual developmental disorder, X-linked 90. Also called: DLG3-Related X-Linked Nonsyndromic Mental Retardation; Intellectual disability, X-linked 90. Identifiers: Orphanet 777, MedGen C3275443, MONDO:0010452, OMIM 300850.

Submission:

Victorian Clinical Genetics Services, Murdoch Childrens Research Institute
Classification: Uncertain significance for Intellectual developmental disorder, X-linked 90. Last evaluated: 2020-07-02. Review status: criteria provided, single submitter. Criteria: ACMG Guidelines, 2015. Collection method: clinical testing. Allele origin: germline. Inheritance: X-linked inheritance.
Comment: Based on the classification scheme VCGS_Germline_v1.1.1, this variant is classified as 3B-VUS. Following criteria are met: 0102 - Loss-of-function is a known mechanism of disease for this gene. (N) 0109 - This gene is known to be associated with X-linked recessive disease. (N) 0200 - Variant is predicted to result in a missense amino acid change from glycine to arginine (exon 1). (N) 0251 - Variant is heterozygous. (N) 0301 - Variant is absent from gnomAD. (P) 0309 - An alternative amino acid change at the same position has been observed in gnomAD (7 heterozygotes, 0 homozygotes, 0 hemizygotes) (N) 0502 - Missense variant with conflicting in silico predictions and/or uninformative conservation. (N) 0604 - Variant is not located in an established domain, motif, hotspot or informative constraint region. (N) 0705 - No comparable variants have previous evidence for pathogenicity. (N) 0807 - Variant has not previously been reported in a clinical context. (N) 0905 - No segregation evidence has been identified for this variant. (N) 1007 - No published functional evidence has been identified for this variant. (N) 1208 - Inheritance information for this variant is not currently available. (N) Legend: (P) - Pathogenic, (N) - Neutral, (B) - Benign

NM_021120.4(DLG3):c.127G>A (p.Gly43Arg)

Gene: DLG3 (discs large MAGUK scaffold protein 3; plus strand). Cytogenetic location: Xq13.1.
Variant type: single nucleotide variant.
Coding change: c.127G>A on transcript NM_021120.4 (MANE Select); coding-DNA position 127, G replaced by A.
Protein change: p.Gly43Arg; replaces glycine 43 with arginine.
Molecular consequence: missense variant.
Genome position (GRCh38, 1-based): chrX:70,445,328, G>A. VCF-style: chrX-70445328-G-A. GRCh37 (hg19) VCF-style: chrX-69665178-G-A.
Other names: short protein forms G43R.
Identifiers: ClinVar variation 1805106 (VCV001805106.2), dbSNP rs2519725123, ClinGen allele CA413490384.